The following is an entry in ClinVar:

ClinVar aggregate classification (germline): Likely benign. Review status: criteria provided, multiple submitters, no conflicts (2 of 4 stars). 2 submissions from 2 submitters: Likely benign (2). Last evaluated 2025-07-02.

Allele frequency attached by ClinVar (database versions not stated): ExAC 0.00004; gnomAD 0.00005; gnomAD exomes 0.00006; TOPMed 0.00006.
gnomAD v4.1: 93 of 1,607,342 alleles (0.0058%); highest among the groups gnomAD compares: Admixed American, 0.0068%; no homozygotes.

Submissions (2):

Labcorp Genetics (formerly Invitae), Labcorp
Classification: Likely benign. Last evaluated: 2025-07-02. Review status: criteria provided, single submitter. Criteria: Invitae Variant Classification Sherloc (09022015). Collection method: clinical testing. Allele origin: germline.

Laboratory for Molecular Medicine, Mass General Brigham Personalized Medicine
Classification: Likely benign. Last evaluated: 2014-08-11. Review status: criteria provided, single submitter. Criteria: LMM Criteria. Collection method: clinical testing. Allele origin: germline. Observed: 1 variant allele.
Comment: Ser2288Ser in exon 33 of MYO15A: This variant is not expected to have clinical s ignificance because it does not alter an amino acid residue and is not located w ithin the splice consensus sequence.

NM_016239.4(MYO15A):c.6864G>A (p.Ser2288=)

Gene: MYO15A (myosin XVA; plus strand). Cytogenetic location: 17p11.2.
Variant type: single nucleotide variant.
Coding change: c.6864G>A on transcript NM_016239.4 (MANE Select); coding-DNA position 6864, G replaced by A.
Protein change: p.Ser2288=; no amino-acid change (serine 2288 retained).
Molecular consequence: synonymous variant.
Genome position (GRCh38, 1-based): chr17:18,148,860, G>A. VCF-style: chr17-18148860-G-A. GRCh37 (hg19) VCF-style: chr17-18052174-G-A.
Identifiers: ClinVar variation 164544 (VCV000164544.10), dbSNP rs727503313, ClinGen allele CA177241.